The following is an entry in ClinVar:

NM_018699.4(PRDM5):c.650+4C>T

Gene: PRDM5 (PR/SET domain 5; minus strand). Cytogenetic location: 4q27.
Variant type: single nucleotide variant.
Coding change: c.650+4C>T on transcript NM_018699.4 (MANE Select); 4 bases into the intron after coding-DNA position 650, C replaced by T.
Molecular consequence: intron variant.
Genome position (GRCh38, 1-based): chr4:120,818,349, G>A on the plus strand (C>T on the coding strand, the complement: PRDM5 is on the minus strand). VCF-style: chr4-120818349-G-A. GRCh37 (hg19) VCF-style: chr4-121739504-G-A.
Other names: c.650+4C>T (NM_001300824.2, NM_001379106.1, NM_001300823.2 and 1 more transcripts).
Identifiers: ClinVar variation 1753914 (VCV001753914.2), dbSNP rs1393505279, ClinGen allele CA554526653.

ClinVar aggregate classification (germline): Uncertain significance (1 of 4 stars; one submission).

Conditions:
Cardiovascular phenotype. Identifiers: MedGen CN230736.

Allele frequency attached by ClinVar (database versions not stated): TOPMed 0.00001.
gnomAD v4.1: 9 of 1,611,552 alleles (0.00056%); highest among the groups gnomAD compares: Admixed American, 0.0067%; no homozygotes.

Submission:

Ambry Genetics
Classification: Uncertain significance for Cardiovascular phenotype. Last evaluated: 2021-12-01. Review status: criteria provided, single submitter. Criteria: Ambry Variant Classification Scheme 2023. Collection method: clinical testing. Allele origin: germline.
Comment: The c.650+4C>T intronic variant results from a C to T substitution 4 nucleotides after coding exon 5 in the PRDM5 gene. This nucleotide position is not well conserved in available vertebrate species. In silico splice site analysis for this alteration is inconclusive. Since supporting evidence is limited at this time, the clinical significance of this alteration remains unclear.